The following is an entry in ClinVar:

NM_000321.3(RB1):c.1047C>G (p.Asp349Glu)

Gene: RB1 (RB transcriptional corepressor 1; plus strand). Cytogenetic location: 13q14.2.
Variant type: single nucleotide variant.
Coding change: c.1047C>G on transcript NM_000321.3 (MANE Select); coding-DNA position 1047, C replaced by G.
Protein change: p.Asp349Glu; replaces aspartic acid 349 with glutamic acid.
Molecular consequence: missense variant.
Genome position (GRCh38, 1-based): chr13:48,367,601, C>G. VCF-style: chr13-48367601-C-G. GRCh37 (hg19) VCF-style: chr13-48941737-C-G.
Other names: c.1047C>G, p.Asp349Glu (NM_001407165.1, NM_001407166.1); short protein forms D349E.
Identifiers: ClinVar variation 2727854 (VCV002727854.3), dbSNP rs2138121537, ClinGen allele CA388160968.

ClinVar aggregate classification (germline): Uncertain significance (1 of 4 stars; one submission).

Conditions:
Retinoblastoma (RB1). Also called: RETINOBLASTOMA, SOMATIC. Identifiers: Orphanet 790, MedGen C0035335, MeSH D012175, MONDO:0008380, OMIM 180200, HP:0009919. Disease mechanism: loss of function. Inheritance: Both sporadic and heritable forms are tested..

Submission:

Labcorp Genetics (formerly Invitae), Labcorp
Classification: Uncertain significance for Retinoblastoma. Last evaluated: 2023-05-05. Review status: criteria provided, single submitter. Criteria: Invitae Variant Classification Sherloc (09022015). Collection method: clinical testing. Allele origin: germline.
Comment: This sequence change replaces aspartic acid, which is acidic and polar, with glutamic acid, which is acidic and polar, at codon 349 of the RB1 protein (p.Asp349Glu). This variant is not present in population databases (gnomAD no frequency). This variant has not been reported in the literature in individuals affected with RB1-related conditions. An algorithm developed to predict the effect of missense changes on protein structure and function (PolyPhen-2) suggests that this variant is likely to be tolerated. In summary, the available evidence is currently insufficient to determine the role of this variant in disease. Therefore, it has been classified as a Variant of Uncertain Significance.